The following is an entry in ClinVar:

ClinVar aggregate classification (germline): Pathogenic (1 of 4 stars; one submission).

Submission:

CeGaT Center for Human Genetics Tuebingen
Classification: Pathogenic. Last evaluated: 2026-08-01. Review status: criteria provided, single submitter. Criteria: CeGaT Center For Human Genetics Tuebingen Variant Classification Criteria Version 2. Collection method: clinical testing. Allele origin: germline. Affected: yes. Observed: 1 variant allele.
Comment: PADI6: PVS1, PM2

NM_207421.4(PADI6):c.1554_1555del (p.Lys519fs)

Gene: PADI6 (peptidyl arginine deiminase 6; plus strand). Cytogenetic location: 1p36.13.
Variant type: Deletion.
Coding change: c.1554_1555del on transcript NM_207421.4 (MANE Select); coding-DNA positions 1554 to 1555, 2 bases deleted (GA; older notation c.1554_1555delGA).
Protein change: p.Lys519fs; shifts the reading frame from lysine 519.
Molecular consequence: frameshift variant.
Genome position (GRCh38, 1-based): chr1:17,395,599-17,395,600, GA deleted; deleting any 2 consecutive bases within chr1:17,395,598-17,395,600 gives the same sequence; the c. name uses the placement nearest the transcript's 3' end. VCF-style (leftmost placement, unchanged base first): chr1-17395597-CAG-C. GRCh37 (hg19) VCF-style: chr1-17722093-CAG-C.
Other names: short protein forms K519fs.
Identifiers: ClinVar variation 5039413 (VCV005039413.1).